The following is an entry in ClinVar:

ClinVar aggregate classification (germline): Likely pathogenic (1 of 4 stars; one submission).

Conditions:
Peroxisome biogenesis disorder, complementation group 7 (CG7). Also called: Peroxisome biogenesis disorder, complementation group B. Identifiers: MedGen C1864399.

Submission:

Labcorp Genetics (formerly Invitae), Labcorp
Classification: Likely pathogenic for Peroxisome biogenesis disorder, complementation group 7. Last evaluated: 2022-06-14. Review status: criteria provided, single submitter. Criteria: Invitae Variant Classification Sherloc (09022015). Collection method: clinical testing. Allele origin: germline.
Comment: This variant has not been reported in the literature in individuals affected with PEX10-related conditions. This variant is not present in population databases (gnomAD no frequency). This variant results in the deletion of part of exon 4 (c.833_836+17del ) of the PEX10 gene. It is expected to disrupt RNA splicing. Variants that disrupt the donor or acceptor splice site typically lead to a loss of protein function (PMID: 16199547), and loss-of-function variants in PEX10 are known to be pathogenic (PMID: 9683594, 10862081, 21031596). Algorithms developed to predict the effect of sequence changes on RNA splicing suggest that this variant may disrupt the consensus splice site. In summary, the currently available evidence indicates that the variant is pathogenic, but additional data are needed to prove that conclusively. Therefore, this variant has been classified as Likely Pathogenic.

Literature cited by the submitters: PubMed 16199547; PubMed 9683594; PubMed 10862081; PubMed 21031596.

NM_002617.4(PEX10):c.773_776+17del

Gene: PEX10 (peroxisomal biogenesis factor 10; minus strand). Cytogenetic location: 1p36.32.
Variant type: Deletion.
Coding change: c.773_776+17del on transcript NM_002617.4 (MANE Select); coding-DNA position 773 through 17 bases into the intron after coding-DNA position 776, 21 bases deleted (GCAGGTGCGTGCGGGGGCCAC).
Molecular consequence: splice donor variant.
Genome position (GRCh38, 1-based): chr1:2,406,703-2,406,723, GTGGCCCCCGCACGCACCTGC deleted on the plus strand (GCAGGTGCGTGCGGGGGCCAC on the coding strand, the reverse complement: PEX10 is on the minus strand); deleting any 21 consecutive bases within chr1:2,406,703-2,406,724 gives the same sequence; the c. name uses the placement nearest the transcript's 3' end. VCF-style (leftmost placement, unchanged base first): chr1-2406702-TGTGGCCCCCGCACGCACCTGC-T. GRCh37 (hg19) VCF-style: chr1-2338141-TGTGGCCCCCGCACGCACCTGC-T.
Other names: c.341_344+17del (NM_001374427.1); c.398_401+17del (NM_001374426.1); c.830_833+17del (NM_001374425.1); c.833_836+17del (NM_153818.2).
Identifiers: ClinVar variation 1997290 (VCV001997290.4), dbSNP rs1643015669, ClinGen allele CA997785964.
Genomic context (GRCh38, chr1:2,406,702, plus strand): 5'-TCAAGGTGGGTGCACCTTACAGGTCCTTGTGAAGTGCCCAGGACACCCCCAGCCCCCATG[TGTGGCCCCCGCACGCACCTGC>T]GGTGAGACAGGCCGCGGTGCAGCCTCCACTCCTTCCTGGCTCGCTGCCGCTGCCTGAAAC-3'